The following is an entry in ClinVar:

ClinVar aggregate classification (germline): Uncertain significance. Review status: criteria provided, multiple submitters, no conflicts (2 of 4 stars). 2 submissions from 2 submitters: Uncertain significance (2). Last evaluated 2026-02-17.

Conditions:
Inborn genetic diseases. Identifiers: MedGen C0950123, MeSH D030342.

gnomAD v4.1: 2 of 1,593,572 alleles (0.00013%); highest among the groups gnomAD compares: African/African-American, 0.0013%; no homozygotes.

Submissions (2):

Ambry Genetics
Classification: Uncertain significance for Inborn genetic diseases. Last evaluated: 2026-02-17. Review status: criteria provided, single submitter. Criteria: Ambry Variant Classification Scheme 2023. Collection method: clinical testing. Allele origin: germline.
Comment: The c.56C>G (p.S19C) alteration is located in exon 1 (coding exon 1) of the MED13L gene. This alteration results from a C to G substitution at nucleotide position 56, causing the serine (S) at amino acid position 19 to be replaced by a cysteine (C). Based on data from gnomAD, the G allele has an overall frequency of <0.001% (1/213836) total alleles studied. The highest observed frequency was 0.001% (1/93418) of European (non-Finnish) alleles. Based on insufficient or conflicting evidence, the clinical significance of this alteration remains unclear.

Blueprint Genetics
Classification: Uncertain significance. Last evaluated: 2019-10-11. Review status: criteria provided, single submitter. Criteria: ACMG Guidelines, 2015. Collection method: clinical testing. Allele origin: germline.

NM_015335.5(MED13L):c.56C>G (p.Ser19Cys)

Gene: MED13L (mediator complex subunit 13L; minus strand). Cytogenetic location: 12q24.21.
Variant type: single nucleotide variant.
Coding change: c.56C>G on transcript NM_015335.5 (MANE Select); coding-DNA position 56, C replaced by G.
Protein change: p.Ser19Cys; replaces serine 19 with cysteine.
Molecular consequence: missense variant.
Genome position (GRCh38, 1-based): chr12:116,277,076, G>C on the plus strand (C>G on the coding strand, the complement: MED13L is on the minus strand). VCF-style: chr12-116277076-G-C. GRCh37 (hg19) VCF-style: chr12-116714881-G-C.
Other names: short protein forms S19C.
Identifiers: ClinVar variation 4840185 (VCV004840185.2).
Genomic context (GRCh38, chr12:116,277,076, plus strand): 5'-CCCCTTCCCCGGCACAGCCCCCTCCCCGCAGCCCGGCTACTCACCAGCGAAAAGAGGTTG[G>C]AGTGACAATCCTCCAGGCTCGCCCCGTTCGCCACCCAGTTCGCTGCCGCAGTCATGATCC-3'
Protein context (NP_056150.1, residues 9-29): ANGASLEDCH[Ser19Cys]NLFSLAELTG